The following is an entry in ClinVar:

NM_177438.3(DICER1):c.5499G>A (p.Val1833=)

Gene: DICER1 (dicer 1, ribonuclease III; minus strand). Cytogenetic location: 14q32.13.
Variant type: single nucleotide variant.
Coding change: c.5499G>A on transcript NM_177438.3 (MANE Select); coding-DNA position 5499, G replaced by A.
Protein change: p.Val1833=; no amino-acid change (valine 1833 retained).
Molecular consequence: synonymous variant. On other transcripts: intron variant (1).
Genome position (GRCh38, 1-based): chr14:95,091,231, C>T on the plus strand (G>A on the coding strand, the complement: DICER1 is on the minus strand). VCF-style: chr14-95091231-C-T. GRCh37 (hg19) VCF-style: chr14-95557568-C-T.
Other names: c.5499G>A, p.Val1833= (NM_001271282.3, NM_001291628.2, NM_030621.4); c.5365-122G>A (NM_001195573.1).
Identifiers: ClinVar variation 764210 (VCV000764210.10), dbSNP rs1595314394, ClinGen allele CA487843685.

ClinVar aggregate classification (germline): Uncertain significance. Review status: criteria provided, multiple submitters, no conflicts (2 of 4 stars). 2 submissions from 2 submitters: Uncertain significance (2). Last evaluated 2026-02-27.

Conditions:
Hereditary cancer-predisposing syndrome. Also called: Tumor predisposition; Neoplastic Syndromes, Hereditary; Hereditary Cancer Syndrome; Hereditary neoplastic syndrome. Identifiers: Orphanet 140162, MedGen C0027672, MeSH D009386, MONDO:0015356.
DICER1-related tumor predisposition. Also called: DICER1 syndrome; DICER1-related pleuropulmonary blastoma cancer predisposition syndrome. Identifiers: Orphanet 284343, MedGen C3839822, MONDO:0100216.

Submissions (2):

Ambry Genetics
Classification: Uncertain significance for Hereditary cancer-predisposing syndrome. Last evaluated: 2026-02-27. Review status: criteria provided, single submitter. Criteria: Ambry Variant Classification Scheme 2023. Collection method: clinical testing. Allele origin: germline.
Comment: The c.5499G>A variant (also known as p.V1833V), located in coding exon 24 of the DICER1 gene, results from a G to A substitution at nucleotide position 5499. This nucleotide substitution does not change the amino acid at codon 1833. This variant was reported in individual(s) with features consistent with DICER1-related tumor predisposition (Hirschi OR et al. Genet Med Open, 2024 May;2:101850). This nucleotide position is well conserved in available vertebrate species. In silico splice site analysis predicts that this alteration may weaken the native splice donor site and will result in the creation or strengthening of a novel splice donor site. RNA studies have demonstrated that this variant results in a transcript that is not expected to trigger nonsense-mediated mRNA decay and affects the last 4.7% of the protein. The exact functional effect of this variant is unknown. Based on the available evidence, the clinical significance of this variant remains unclear.

Labcorp Genetics (formerly Invitae), Labcorp
Classification: Uncertain significance for DICER1-related tumor predisposition. Last evaluated: 2022-12-05. Review status: criteria provided, single submitter. Criteria: Invitae Variant Classification Sherloc (09022015). Collection method: clinical testing. Allele origin: germline.
Comment: This variant is not present in population databases (gnomAD no frequency). In summary, the available evidence is currently insufficient to determine the role of this variant in disease. Therefore, it has been classified as a Variant of Uncertain Significance. Algorithms developed to predict the effect of sequence changes on RNA splicing suggest that this variant may disrupt the consensus splice site. ClinVar contains an entry for this variant (Variation ID: 764210). This variant has not been reported in the literature in individuals affected with DICER1-related conditions. This sequence change affects codon 1833 of the DICER1 mRNA. It is a 'silent' change, meaning that it does not change the encoded amino acid sequence of the DICER1 protein.

Literature cited by the submitters: PubMed 39669609 (cited by Ambry Genetics).